The following is an entry in ClinVar:

NM_022081.6(HPS4):c.1031C>G (p.Ser344Cys)

Gene: HPS4 (HPS4 biogenesis of lysosomal organelles complex 3 subunit 2; minus strand). Cytogenetic location: 22q12.1.
Variant type: single nucleotide variant.
Coding change: c.1031C>G on transcript NM_022081.6 (MANE Select); coding-DNA position 1031, C replaced by G.
Protein change: p.Ser344Cys; replaces serine 344 with cysteine.
Molecular consequence: missense variant. On other transcripts: non-coding transcript variant (8).
Genome position (GRCh38, 1-based): chr22:26,464,599, G>C on the plus strand (C>G on the coding strand, the complement: HPS4 is on the minus strand). VCF-style: chr22-26464599-G-C. GRCh37 (hg19) VCF-style: chr22-26860565-G-C.
Other names: c.1031C>G, p.Ser344Cys (NM_001349896.1, NM_001349898.2, NM_001349899.2 and 4 more transcripts); c.1085C>G, p.Ser362Cys (NM_001349900.2, NM_001349901.1); c.1016C>G, p.Ser339Cys (NM_152841.2); short protein forms S362C, S344C, S339C.
Identifiers: ClinVar variation 1349470 (VCV001349470.3), dbSNP rs1314373498, ClinGen allele CA411028255.

ClinVar aggregate classification (germline): Uncertain significance (1 of 4 stars; one submission).

Allele frequency attached by ClinVar (database versions not stated): gnomAD exomes below 0.00001; TOPMed below 0.00001; gnomAD 0.00001.
gnomAD v4.1: 3 of 1,614,108 alleles (0.00019%); highest among the groups gnomAD compares: Non-Finnish European, 0.00025%; no homozygotes.

Submission:

Labcorp Genetics (formerly Invitae), Labcorp
Classification: Uncertain significance. Last evaluated: 2022-07-22. Review status: criteria provided, single submitter. Criteria: Invitae Variant Classification Sherloc (09022015). Collection method: clinical testing. Allele origin: germline.
Comment: This sequence change replaces serine, which is neutral and polar, with cysteine, which is neutral and slightly polar, at codon 344 of the HPS4 protein (p.Ser344Cys). This variant is not present in population databases (gnomAD no frequency). This variant has not been reported in the literature in individuals affected with HPS4-related conditions. ClinVar contains an entry for this variant (Variation ID: 1349470). Algorithms developed to predict the effect of missense changes on protein structure and function are either unavailable or do not agree on the potential impact of this missense change (SIFT: "Deleterious"; PolyPhen-2: "Benign"; Align-GVGD: "Class C0"). In summary, the available evidence is currently insufficient to determine the role of this variant in disease. Therefore, it has been classified as a Variant of Uncertain Significance.